The following is an entry in ClinVar:

ClinVar aggregate classification (germline): Uncertain significance. Review status: criteria provided, multiple submitters, no conflicts (2 of 4 stars). 2 submissions from 2 submitters: Uncertain significance (2). Last evaluated 2025-06-18.

Conditions:
Charcot-Marie-Tooth disease type 2. Also called: Charcot-Marie-Tooth type 2. Identifiers: Orphanet 64746, MedGen C0270914, MONDO:0018993.
Inborn genetic diseases. Identifiers: MedGen C0950123, MeSH D030342.

Allele frequency attached by ClinVar (database versions not stated): gnomAD exomes 0.00002 and 0.00005; ExAC 0.00001; TOPMed 0.00001; gnomAD 0.00002.
gnomAD v4.1: 72 of 1,612,198 alleles (0.0045%); highest among the groups gnomAD compares: Non-Finnish European, 0.0059%; no homozygotes.

Submissions (2):

Ambry Genetics
Classification: Uncertain significance for Inborn genetic diseases. Last evaluated: 2025-06-18. Review status: criteria provided, single submitter. Criteria: Ambry Variant Classification Scheme 2023. Collection method: clinical testing. Allele origin: germline.

Labcorp Genetics (formerly Invitae), Labcorp
Classification: Uncertain significance for Charcot-Marie-Tooth disease type 2. Last evaluated: 2022-06-20. Review status: criteria provided, single submitter. Criteria: Invitae Variant Classification Sherloc (09022015). Collection method: clinical testing. Allele origin: germline.
Comment: This sequence change replaces threonine, which is neutral and polar, with isoleucine, which is neutral and non-polar, at codon 658 of the MED25 protein (p.Thr658Ile). This variant is present in population databases (rs768469811, gnomAD 0.004%). This variant has not been reported in the literature in individuals affected with MED25-related conditions. ClinVar contains an entry for this variant (Variation ID: 543175). Algorithms developed to predict the effect of missense changes on protein structure and function are either unavailable or do not agree on the potential impact of this missense change (SIFT: "Deleterious"; PolyPhen-2: "Benign"; Align-GVGD: "Class C0"). In summary, the available evidence is currently insufficient to determine the role of this variant in disease. Therefore, it has been classified as a Variant of Uncertain Significance.

NM_030973.4(MED25):c.1973C>T (p.Thr658Ile)

Gene: MED25 (mediator complex subunit 25; plus strand). Cytogenetic location: 19q13.33.
Variant type: single nucleotide variant.
Coding change: c.1973C>T on transcript NM_030973.4 (MANE Select); coding-DNA position 1973, C replaced by T.
Protein change: p.Thr658Ile; replaces threonine 658 with isoleucine.
Molecular consequence: missense variant.
Genome position (GRCh38, 1-based): chr19:49,836,233, C>T. VCF-style: chr19-49836233-C-T. GRCh37 (hg19) VCF-style: chr19-50339490-C-T.
Other names: c.1973C>T, p.Thr658Ile (NM_001378355.1); short protein forms T658I.
Identifiers: ClinVar variation 543175 (VCV000543175.9), dbSNP rs768469811, ClinGen allele CA9585447.